The following is an entry in ClinVar:

ClinVar aggregate classification (germline): Likely pathogenic (1 of 4 stars; one submission).

Submission:

GeneDx
Classification: Likely pathogenic. Last evaluated: 2024-05-28. Review status: criteria provided, single submitter. Criteria: GeneDx Variant Classification Process June 2021. Collection method: clinical testing. Allele origin: germline. Affected: yes.
Comment: Frameshift variant predicted to result in protein truncation, as the last 39 amino acids are replaced with 16 different amino acids, and other loss-of-function variants have been reported downstream; Not observed at a significant frequency in large population cohorts (gnomAD); Has not been previously published as pathogenic or benign to our knowledge

NM_004318.4(ASPH):c.2160del (p.Asp720fs)

Gene: ASPH (aspartate beta-hydroxylase; minus strand). Cytogenetic location: 8q12.3.
Variant type: Deletion.
Coding change: c.2160del on transcript NM_004318.4 (MANE Select); coding-DNA position 2160, one base deleted (T; older notation c.2160delT).
Protein change: p.Asp720fs; shifts the reading frame from aspartic acid 720.
Molecular consequence: frameshift variant. On other transcripts: 3 prime UTR variant (4).
Genome position (GRCh38, 1-based): chr8:61,503,476, A deleted on the plus strand (T on the coding strand, the reverse complement: ASPH is on the minus strand). VCF-style (leftmost placement, unchanged base first): chr8-61503475-CA-C. GRCh37 (hg19) VCF-style: chr8-62416034-CA-C.
Other names: c.2073del, p.Asp691fs (NM_001164750.2, NM_001413864.1, NM_001413865.1 and 1 more transcripts); c.2241del, p.Asp747fs (NM_001413844.1); c.2205del, p.Asp735fs (NM_001413845.1); c.2202del, p.Asp734fs (NM_001413846.1); c.2184del, p.Asp728fs (NM_001413847.1); c.2163del, p.Asp721fs (NM_001413848.1); c.2160del, p.Asp720fs (NM_001413849.1); c.2157del, p.Asp719fs (NM_001413850.1, NM_001413851.1); and 36 more; short protein forms D502fs, D516fs, D558fs, D561fs, D587fs, D618fs, D633fs, D637fs.
Identifiers: ClinVar variation 3383478 (VCV003383478.1).
Genomic context (GRCh38, chr8:61,503,475, plus strand): 5'-CCACGATGAATATCAGCCGGAAAGATGAGGCATCCTGCCATACCTCGTGCTCAAAGGAGT[CA>C]TCAAAGATGAGCACCTTGCCTTCCTCCCAGGTCCTGCAGCAGAAAGACAAGGATTCCTGA-3'